The following is an entry in ClinVar:

NM_173660.5(DOK7):c.685G>C (p.Glu229Gln)

Gene: DOK7 (docking protein 7; plus strand). Cytogenetic location: 4p16.3.
Variant type: single nucleotide variant.
Coding change: c.685G>C on transcript NM_173660.5 (MANE Select); coding-DNA position 685, G replaced by C.
Protein change: p.Glu229Gln; replaces glutamic acid 229 with glutamine.
Molecular consequence: missense variant. On other transcripts: 5 prime UTR variant (1).
Genome position (GRCh38, 1-based): chr4:3,489,709, G>C. VCF-style: chr4-3489709-G-C. GRCh37 (hg19) VCF-style: chr4-3491436-G-C.
Other names: c.674G>C, p.Gly225Ala (NM_001164673.2); c.-246G>C (NM_001256896.2); c.685G>C, p.Glu229Gln (NM_001301071.2); c.253G>C, p.Glu85Gln (NM_001363811.2); short protein forms E85Q, E229Q, G225A.
Identifiers: ClinVar variation 4788207 (VCV004788207.1).

ClinVar aggregate classification (germline): Uncertain significance (1 of 4 stars; one submission).

Conditions:
Fetal akinesia deformation sequence 1 (FADS1). Also called: Pena-Shokeir syndrome type I; Fetal akinesia sequence. Identifiers: Orphanet 994, MedGen C1276035, MONDO:0100101, OMIM 208150, HP:0001989.
Congenital myasthenic syndrome 10. Also called: Myasthenia, limb-girdle, familial. Identifiers: Orphanet 590, MedGen C1850792, MONDO:0009690, OMIM 254300.

gnomAD v4.1: 17 of 1,564,428 alleles (0.0011%); highest among the groups gnomAD compares: Non-Finnish European, 0.0012%; no homozygotes.

Submission:

Labcorp Genetics (formerly Invitae), Labcorp
Classification: Uncertain significance for Congenital myasthenic syndrome 10; Fetal akinesia deformation sequence 1. Last evaluated: 2025-03-16. Review status: criteria provided, single submitter. Criteria: Invitae Variant Classification Sherloc (09022015). Collection method: clinical testing. Allele origin: germline.
Comment: This sequence change replaces glutamic acid, which is acidic and polar, with glutamine, which is neutral and polar, at codon 229 of the DOK7 protein (p.Glu229Gln). This variant is present in population databases (rs768915955, gnomAD 0.001%). This variant has not been reported in the literature in individuals affected with DOK7-related conditions. Invitae Evidence Modeling of protein sequence and biophysical properties (such as structural, functional, and spatial information, amino acid conservation, physicochemical variation, residue mobility, and thermodynamic stability) indicates that this missense variant is not expected to disrupt DOK7 protein function with a negative predictive value of 80%. In summary, the available evidence is currently insufficient to determine the role of this variant in disease. Therefore, it has been classified as a Variant of Uncertain Significance.